The following is an entry in ClinVar:

ClinVar aggregate classification (germline): Uncertain significance (1 of 4 stars; one submission).

Conditions:
Mucopolysaccharidosis, MPS-IV-A (MPS4A). Also called: MPS IVA; GALACTOSAMINE-6-SULFATASE DEFICIENCY; GALNS DEFICIENCY; MORQUIO A DISEASE; Morquio syndrome A, mild; MORQUIO SYNDROME A. Identifiers: Orphanet 309297, Orphanet 582, MedGen C0086651, MONDO:0009659, OMIM 253000.

Allele frequency attached by ClinVar (database versions not stated): gnomAD exomes below 0.00001; ExAC 0.00001.
gnomAD v4.1: 1 of 1,613,206 alleles (0.000062%); highest among the groups gnomAD compares: African/African-American, 0.0013%; no homozygotes.

Submission:

Labcorp Genetics (formerly Invitae), Labcorp
Classification: Uncertain significance for Mucopolysaccharidosis, MPS-IV-A. Last evaluated: 2021-06-13. Review status: criteria provided, single submitter. Criteria: Invitae Variant Classification Sherloc (09022015). Collection method: clinical testing. Allele origin: germline.
Comment: This variant has not been reported in the literature in individuals with GALNS-related conditions. This sequence change replaces isoleucine with asparagine at codon 196 of the GALNS protein (p.Ile196Asn). The isoleucine residue is moderately conserved and there is a large physicochemical difference between isoleucine and asparagine. This variant is present in population databases (rs759502513, ExAC 0.01%). Advanced modeling of protein sequence and biophysical properties (such as structural, functional, and spatial information, amino acid conservation, physicochemical variation, residue mobility, and thermodynamic stability) performed at Invitae indicates that this missense variant is expected to disrupt GALNS protein function. In summary, the available evidence is currently insufficient to determine the role of this variant in disease. Therefore, it has been classified as a Variant of Uncertain Significance.

NM_000512.5(GALNS):c.587T>A (p.Ile196Asn)

Gene: GALNS (galactosamine (N-acetyl)-6-sulfatase; minus strand). Cytogenetic location: 16q24.3.
Variant type: single nucleotide variant.
Coding change: c.587T>A on transcript NM_000512.5 (MANE Select); coding-DNA position 587, T replaced by A.
Protein change: p.Ile196Asn; replaces isoleucine 196 with asparagine.
Molecular consequence: missense variant.
Genome position (GRCh38, 1-based): chr16:88,836,247, A>T on the plus strand (T>A on the coding strand, the complement: GALNS is on the minus strand). VCF-style: chr16-88836247-A-T. GRCh37 (hg19) VCF-style: chr16-88902655-A-T.
Other names: c.32T>A, p.Ile11Asn (NM_001323543.2); c.605T>A, p.Ile202Asn (NM_001323544.2); short protein forms I11N, I196N, I202N.
Identifiers: ClinVar variation 1466510 (VCV001466510.8), dbSNP rs759502513, ClinGen allele CA8235084.
Genomic context (GRCh38, chr16:88,836,247, plus strand): 5'-GCGGTCCCCATCACCTGCAGGTAGATCTGGGTGAGGTTGGCTTCCCCCGTCTTCAGATTA[A>T]TAGGAAATTCTTCATAATATCTGAAAAGAACACAGATCCAGACAGACTTCAGAATTTAGG-3'
Protein context (NP_000503.1, residues 186-206): MVGRYYEEFP[Ile196Asn]NLKTGEANLT